The following is an entry in ClinVar:

ClinVar aggregate classification (germline): Uncertain significance (1 of 4 stars; one submission).

Conditions:
GRIK2-related disorder. Also called: GRIK2-related condition.

Submission:

PreventionGenetics, part of Exact Sciences
Classification: Uncertain significance for GRIK2-related condition. Last evaluated: 2026-07-06. Review status: criteria provided, single submitter. Criteria: ACMG Guidelines, 2015. Collection method: clinical testing. Allele origin: germline.
Comment: The GRIK2 c.1317+2T>A variant is predicted to disrupt the GT donor site and interfere with normal splicing. To our knowledge, this variant has not been reported in the literature or in a large population database (gnomAD), indicating this variant is rare. At this time, the clinical significance of this variant is uncertain due to the absence of conclusive functional and genetic evidence.

NM_021956.5(GRIK2):c.1317+2T>A

Gene: GRIK2 (glutamate ionotropic receptor kainate type subunit 2; plus strand). Cytogenetic location: 6q16.3.
Variant type: single nucleotide variant.
Coding change: c.1317+2T>A on transcript NM_021956.5 (MANE Select); the canonical splice donor site of the intron after coding-DNA position 1317, T replaced by A.
Molecular consequence: splice donor variant.
Genome position (GRCh38, 1-based): chr6:101,818,485, T>A. VCF-style: chr6-101818485-T-A. GRCh37 (hg19) VCF-style: chr6-102266360-T-A.
Other names: c.1317+2T>A (NM_175768.3, NM_001166247.1).
Identifiers: ClinVar variation 4982833 (VCV004982833.1).